The following is an entry in ClinVar:

ClinVar aggregate classification (germline): Uncertain significance. Review status: criteria provided, multiple submitters, no conflicts (2 of 4 stars). 2 submissions from 2 submitters: Uncertain significance (2). Last evaluated 2024-09-30.

Submissions (2):

Ambry Genetics
Classification: Uncertain significance. Last evaluated: 2024-09-30. Review status: criteria provided, single submitter. Criteria: Ambry Variant Classification Scheme 2023. Collection method: clinical testing. Allele origin: germline.

Labcorp Genetics (formerly Invitae), Labcorp
Classification: Uncertain significance. Last evaluated: 2024-01-10. Review status: criteria provided, single submitter. Criteria: Invitae Variant Classification Sherloc (09022015). Collection method: clinical testing. Allele origin: germline.
Comment: This sequence change replaces histidine, which is basic and polar, with leucine, which is neutral and non-polar, at codon 420 of the STAT4 protein (p.His420Leu). This variant is not present in population databases (gnomAD no frequency). This variant has not been reported in the literature in individuals affected with STAT4-related conditions. An algorithm developed to predict the effect of missense changes on protein structure and function (PolyPhen-2) suggests that this variant is likely to be tolerated. In summary, the available evidence is currently insufficient to determine the role of this variant in disease. Therefore, it has been classified as a Variant of Uncertain Significance.

NM_003151.4(STAT4):c.1259A>T (p.His420Leu)

Gene: STAT4 (signal transducer and activator of transcription 4; minus strand). Cytogenetic location: 2q32.2.
Variant type: single nucleotide variant.
Coding change: c.1259A>T on transcript NM_003151.4 (MANE Select); coding-DNA position 1259, A replaced by T.
Protein change: p.His420Leu; replaces histidine 420 with leucine.
Molecular consequence: missense variant.
Genome position (GRCh38, 1-based): chr2:191,041,141, T>A on the plus strand (A>T on the coding strand, the complement: STAT4 is on the minus strand). VCF-style: chr2-191041141-T-A. GRCh37 (hg19) VCF-style: chr2-191905867-T-A.
Other names: c.1259A>T, p.His420Leu (NM_001243835.2); c.1259A>T (NM_003151.3); short protein forms H420L.
Identifiers: ClinVar variation 2962777 (VCV002962777.4), dbSNP rs1696187759, ClinGen allele CA349911589.